The following is an entry in ClinVar:

ClinVar aggregate classification (germline): Uncertain significance (1 of 4 stars; one submission).

Conditions:
Progressive myoclonic epilepsy. Also called: Progressive myoclonus epilepsy; Myoclonic Epilepsies, Progressive; Familial progressive myoclonic epilepsy; Myoclonus epilepsy. Identifiers: Orphanet 308, Orphanet 98261, MedGen C0751778, MONDO:0020074.

Submission:

Labcorp Genetics (formerly Invitae), Labcorp
Classification: Uncertain significance for Progressive myoclonic epilepsy. Last evaluated: 2022-09-19. Review status: criteria provided, single submitter. Criteria: Invitae Variant Classification Sherloc (09022015). Collection method: clinical testing. Allele origin: germline.
Comment: This sequence change replaces tryptophan, which is neutral and slightly polar, with cysteine, which is neutral and slightly polar, at codon 455 of the SCARB2 protein (p.Trp455Cys). This variant is not present in population databases (gnomAD no frequency). In summary, the available evidence is currently insufficient to determine the role of this variant in disease. Therefore, it has been classified as a Variant of Uncertain Significance. Advanced modeling of protein sequence and biophysical properties (such as structural, functional, and spatial information, amino acid conservation, physicochemical variation, residue mobility, and thermodynamic stability) performed at Invitae indicates that this missense variant is not expected to disrupt SCARB2 protein function. ClinVar contains an entry for this variant (Variation ID: 1499924). This variant has not been reported in the literature in individuals affected with SCARB2-related conditions.

NM_005506.4(SCARB2):c.1365G>C (p.Trp455Cys)

Gene: SCARB2 (scavenger receptor class B member 2; minus strand). Cytogenetic location: 4q21.1.
Variant type: single nucleotide variant.
Coding change: c.1365G>C on transcript NM_005506.4 (MANE Select); coding-DNA position 1365, G replaced by C.
Protein change: p.Trp455Cys; replaces tryptophan 455 with cysteine.
Molecular consequence: missense variant.
Genome position (GRCh38, 1-based): chr4:76,163,258, C>G on the plus strand (G>C on the coding strand, the complement: SCARB2 is on the minus strand). VCF-style: chr4-76163258-C-G. GRCh37 (hg19) VCF-style: chr4-77084411-C-G.
Other names: c.936G>C, p.Trp312Cys (NM_001204255.2); short protein forms W312C, W455C.
Identifiers: ClinVar variation 1499924 (VCV001499924.8), dbSNP rs995674389, ClinGen allele CA357313288.